The following is an entry in ClinVar:

NM_138420.4(AHNAK2):c.4290A>G (p.Glu1430=)

Gene: AHNAK2 (AHNAK nucleoprotein 2; minus strand). Cytogenetic location: 14q32.33.
Variant type: single nucleotide variant.
Coding change: c.4290A>G on transcript NM_138420.4 (MANE Select); coding-DNA position 4290, A replaced by G.
Protein change: p.Glu1430=; no amino-acid change (glutamic acid 1430 retained).
Molecular consequence: synonymous variant.
Genome position (GRCh38, 1-based): chr14:104,951,161, T>C on the plus strand (A>G on the coding strand, the complement: AHNAK2 is on the minus strand). VCF-style: chr14-104951161-T-C. GRCh37 (hg19) VCF-style: chr14-105417498-T-C.
Other names: c.3990A>G, p.Glu1330= (NM_001350929.2).
Identifiers: ClinVar variation 2644832 (VCV002644832.24), dbSNP rs1200837067, ClinGen allele CA488727549.
Genomic context (GRCh38, chr14:104,951,161, plus strand): 5'-AGGGGCTGTCACTTCCACCTTGGGGTCTTTTAGGTCCAGCTTGGGGCCCTTGATGTCTAT[T>C]TCAGGGCCCTTGAGGTCCACTTTGGGCACCTTGAAACTGGGCATCTGCAGCTTGGGCAGG-3'
Protein context (NP_612429.2, residues 1420-1440): KVPKVDLKGP[Glu1430=]IDIKGPKLDL

ClinVar aggregate classification (germline): Likely benign (1 of 4 stars; one submission).

Submission:

CeGaT Center for Human Genetics Tuebingen
Classification: Likely benign. Last evaluated: 2022-04-01. Review status: criteria provided, single submitter. Criteria: CeGaT Center For Human Genetics Tuebingen Variant Classification Criteria Version 2. Collection method: clinical testing. Allele origin: germline. Affected: yes. Observed: 1 variant allele.
Comment: AHNAK2: BP4, BP7